The following is an entry in ClinVar:

NM_000019.4(ACAT1):c.120+1G>T

Gene: ACAT1 (acetyl-CoA acetyltransferase 1; plus strand). Cytogenetic location: 11q22.3.
Variant type: single nucleotide variant.
Coding change: c.120+1G>T on transcript NM_000019.4 (MANE Select); the canonical splice donor site of the intron after coding-DNA position 120, G replaced by T.
Molecular consequence: splice donor variant.
Genome position (GRCh38, 1-based): chr11:108,131,955, G>T. VCF-style: chr11-108131955-G-T. GRCh37 (hg19) VCF-style: chr11-108002682-G-T.
Other names: c.-151+1G>T (NM_001386682.1, NM_001386681.1, NM_001386685.1 and 6 more transcripts); c.120+1G>T (NM_001386677.1, NM_001386678.1); c.-158+1G>T (NM_001386679.1).
Identifiers: ClinVar variation 1483687 (VCV001483687.6), dbSNP rs779908220, ClinGen allele CA382506190.

ClinVar aggregate classification (germline): Likely pathogenic (1 of 4 stars; one submission).

Conditions:
Deficiency of acetyl-CoA acetyltransferase. Also called: Beta-ketothiolase deficiency; MITOCHONDRIAL ACETOACETYL-CoA THIOLASE DEFICIENCY; 3-KETOTHIOLASE DEFICIENCY; 3-OXOTHIOLASE DEFICIENCY. Identifiers: Orphanet 134, MedGen C1536500, MONDO:0008760, OMIM 203750. Disease mechanism: loss of function.

Submission:

Labcorp Genetics (formerly Invitae), Labcorp
Classification: Likely pathogenic for Deficiency of acetyl-CoA acetyltransferase. Last evaluated: 2021-09-24. Review status: criteria provided, single submitter. Criteria: Invitae Variant Classification Sherloc (09022015). Collection method: clinical testing. Allele origin: germline.
Comment: This sequence change affects a donor splice site in intron 2 of the ACAT1 gene. It is expected to disrupt RNA splicing. Variants that disrupt the donor or acceptor splice site typically lead to a loss of protein function (PMID: 16199547), and loss-of-function variants in ACAT1 are known to be pathogenic (PMID: 7749408). In summary, the currently available evidence indicates that the variant is pathogenic, but additional data are needed to prove that conclusively. Therefore, this variant has been classified as Likely Pathogenic. Algorithms developed to predict the effect of sequence changes on RNA splicing suggest that this variant may disrupt the consensus splice site. This variant has not been reported in the literature in individuals affected with ACAT1-related conditions. This variant is not present in population databases (ExAC no frequency).

Literature cited by the submitters: PubMed 16199547; PubMed 7749408.